The following is an entry in ClinVar:

ClinVar aggregate classification (germline): Likely benign. Review status: criteria provided, multiple submitters, no conflicts (2 of 4 stars). 3 submissions from 3 submitters: Likely benign (3). Last evaluated 2025-09-03.

Conditions:
Hereditary cancer-predisposing syndrome. Also called: Neoplastic Syndromes, Hereditary; Hereditary Cancer Syndrome; Tumor predisposition; Hereditary neoplastic syndrome. Identifiers: Orphanet 140162, MedGen C0027672, MeSH D009386, MONDO:0015356.
Retinoblastoma (RB1). Also called: RETINOBLASTOMA, SOMATIC. Identifiers: Orphanet 790, MedGen C0035335, MeSH D012175, MONDO:0008380, OMIM 180200, HP:0009919. Disease mechanism: loss of function. Inheritance: Both sporadic and heritable forms are tested..

Allele frequency attached by ClinVar (database versions not stated): gnomAD exomes below 0.00001 and 0.00001; TOPMed below 0.00001; gnomAD 0.00001.
gnomAD v4.1: 5 of 1,613,518 alleles (0.00031%); highest among the groups gnomAD compares: African/African-American, 0.0053%; no homozygotes.

Submissions (3):

Labcorp Genetics (formerly Invitae), Labcorp
Classification: Likely benign for Retinoblastoma. Last evaluated: 2025-09-03. Review status: criteria provided, single submitter. Criteria: Invitae Variant Classification Sherloc (09022015). Collection method: clinical testing. Allele origin: germline.

All of Us Research Program, National Institutes of Health
Classification: Likely benign for Retinoblastoma. Last evaluated: 2023-05-15. Review status: criteria provided, single submitter. Criteria: ACMG Guidelines, 2015. Collection method: clinical testing. Allele origin: germline. Inheritance: Autosomal dominant inheritance. Observed: 1 variant allele, 1 heterozygote.
Comment: This study involves interpretation of variants in research participants for the purpose of population health screening. Participant phenotype was not available at the time of variant classification. Additional details can be found in publication PMID: 35346344, PMCID: PMC8962531

Ambry Genetics
Classification: Likely benign for Hereditary cancer-predisposing syndrome. Last evaluated: 2021-12-16. Review status: criteria provided, single submitter. Criteria: Ambry Variant Classification Scheme 2023. Collection method: clinical testing. Allele origin: germline.

NM_000321.3(RB1):c.2602C>A (p.Pro868Thr)

Gene: RB1 (RB transcriptional corepressor 1; plus strand). Cytogenetic location: 13q14.2.
Variant type: single nucleotide variant.
Coding change: c.2602C>A on transcript NM_000321.3 (MANE Select); coding-DNA position 2602, C replaced by A.
Protein change: p.Pro868Thr; replaces proline 868 with threonine.
Molecular consequence: missense variant.
Genome position (GRCh38, 1-based): chr13:48,476,782, C>A. VCF-style: chr13-48476782-C-A. GRCh37 (hg19) VCF-style: chr13-49050918-C-A.
Other names: short protein forms P868T.
Identifiers: ClinVar variation 1037255 (VCV001037255.12), dbSNP rs1161450606, ClinGen allele CA388157420.